The following is an entry in ClinVar:

ClinVar aggregate classification (germline): Pathogenic. Review status: criteria provided, multiple submitters, no conflicts (2 of 4 stars). 2 submissions from 2 submitters: Pathogenic (2). Last evaluated 2021-07-18.

Conditions:
Hypertrophic cardiomyopathy. Also called: HYPERTROPHIC MYOCARDIOPATHY. Identifiers: Orphanet 217569, MedGen C0007194, MeSH D002312, MONDO:0005045, HP:0001639.

Submissions (2):

Labcorp Genetics (formerly Invitae), Labcorp
Classification: Pathogenic for Hypertrophic cardiomyopathy. Last evaluated: 2021-07-18. Review status: criteria provided, single submitter. Criteria: Invitae Variant Classification Sherloc (09022015). Collection method: clinical testing. Allele origin: germline.
Comment: For these reasons, this variant has been classified as Pathogenic. Algorithms developed to predict the effect of sequence changes on RNA splicing suggest that this variant may disrupt the consensus splice site. ClinVar contains an entry for this variant (Variation ID: 430571). This premature translational stop signal has been observed in individual(s) with hypertrophic cardiomyopathy (PMID: 25351510). This variant is not present in population databases (ExAC no frequency). This sequence change creates a premature translational stop signal (p.Glu542*) in the MYBPC3 gene. It is expected to result in an absent or disrupted protein product. Loss-of-function variants in MYBPC3 are known to be pathogenic (PMID: 19574547).

GeneDx
Classification: Pathogenic. Last evaluated: 2018-09-11. Review status: criteria provided, single submitter. Criteria: GeneDx Variant Classification (06012015). Collection method: clinical testing. Allele origin: germline. Affected: yes.
Comment: The E542X variant in the MYBPC3 gene has been reported previously in a cohort of HCM patients, however, no specific clinical details were provided (Lopes et al., 2015). E542X is predicted to cause loss of normal protein function either by protein truncation or nonsense-mediated mRNA decay. Other nonsense variants in the MYBPC3 gene have been reported in Human Gene Mutation Database in association with HCM (Stenson et al., 2014). Moreover, the E542X variant is not observed in large population cohorts (Lek et al., 2016).

Literature cited by the submitters: PubMed 25351510 (cited by Labcorp Genetics (formerly Invitae), Labcorp); PubMed 19574547 (cited by Labcorp Genetics (formerly Invitae), Labcorp).

NM_000256.3(MYBPC3):c.1624G>T (p.Glu542Ter)

Gene: MYBPC3 (myosin binding protein C3; minus strand). Cytogenetic location: 11p11.2.
Variant type: single nucleotide variant.
Coding change: c.1624G>T on transcript NM_000256.3 (MANE Select); coding-DNA position 1624, G replaced by T.
Protein change: p.Glu542Ter; replaces glutamic acid 542 with a stop codon.
Molecular consequence: nonsense.
Genome position (GRCh38, 1-based): chr11:47,342,578, C>A on the plus strand (G>T on the coding strand, the complement: MYBPC3 is on the minus strand). VCF-style: chr11-47342578-C-A. GRCh37 (hg19) VCF-style: chr11-47364129-C-A.
Other names: c.1624G>T, p.Glu542Ter (LRG_386t1); short protein forms E542*.
Identifiers: ClinVar variation 430571 (VCV000430571.7), dbSNP rs121909374, ClinGen allele CA380324980.